The following is an entry in ClinVar:

ClinVar aggregate classification (germline): Likely benign. Review status: reviewed by expert panel (3 of 4 stars). 4 submissions from 4 submitters: Likely benign (1). 3 of the submissions do not count toward it. Last evaluated 2024-12-06.

Conditions:
Mucopolysaccharidosis type 1. Also called: Mucopolysaccharidosis Type I; IDUA deficiency; MPS I. Identifiers: Orphanet 579, MedGen C0023786, MONDO:0001586.

Allele frequency attached by ClinVar (database versions not stated): gnomAD exomes 0.00039; ExAC 0.00049; ESP Exome Variant Server 0.00131; gnomAD 0.00139 and 0.00156; 1000 Genomes Project 0.00160; 1000 Genomes Project 30x 0.00172; TOPMed 0.00172.
gnomAD v4.1: 475 of 1,595,202 alleles (0.03%); highest among the groups gnomAD compares: African/African-American, 0.48%; 1 homozygote.

Submissions (4):

ClinGen Lysosomal Storage Disorder Variant Curation Expert Panel
Classification: Likely benign for Mucopolysaccharidosis type 1. Last evaluated: 2024-12-06. Review status: reviewed by expert panel. Criteria: ClinGen LSD ACMG Specifications IDUA V1.0.0. Collection method: curation. Allele origin: germline. Inheritance: Autosomal recessive inheritance.
Comment: The NM_000203.5:c.493+10C>T variant is located in the donor splice consensus region of intron 4 of IDUA. The computational splicing predictor SpliceAI suggests that the variant has no impact on splicing (all scores <0.1) (BP4). The highest population minor allele frequency in gnomAD v4.1.0 is 0.004778 (357/74718; 1 homozygote; GrpMax Filtering Allele Frequency (95% confidence) = 0.004369) in the African/African-American population, which is higher than the ClinGen Lysosomal Diseases VCEP’s threshold for BS1 (>0.0025), and therefore meets this criterion (BS1). To our knowledge, this variant has not been reported in the literature. There is a ClinVar entry for this variant (Variation ID: 785720). In summary, this variant meets the criteria to be classified as likely benign for mucopolysaccharidosis type 1. IDUA-specific ACMG/AMP criteria applied, as specified by the ClinGen Lysosomal Diseases Variant Curation Expert Panel (Specifications Version 1.0.0): BS1, BP4. (Classification approved by the ClinGen Lysosomal Diseases Variant Curation Expert Panel on December 6, 2024)

Labcorp Genetics (formerly Invitae), Labcorp
Classification: Benign for Mucopolysaccharidosis type 1. Last evaluated: 2026-02-03. Review status: criteria provided, single submitter. Criteria: Invitae Variant Classification Sherloc (09022015). Collection method: clinical testing. Allele origin: germline. Not counted in ClinVar's aggregate classification.

Blueprint Genetics
Classification: Likely benign. Last evaluated: 2024-11-19. Review status: criteria provided, single submitter. Criteria: ACMG Guidelines, 2015. Collection method: clinical testing. Allele origin: germline. Not counted in ClinVar's aggregate classification.

Natera, Inc.
Classification: Likely benign for Mucopolysaccharidosis type I. Last evaluated: 2017-05-06. Review status: no assertion criteria provided. Collection method: clinical testing. Allele origin: germline. Not counted in ClinVar's aggregate classification.

NM_000203.5(IDUA):c.493+10C>T

Gene: IDUA (alpha-L-iduronidase; plus strand). Cytogenetic location: 4p16.3.
Variant type: single nucleotide variant.
Coding change: c.493+10C>T on transcript NM_000203.5 (MANE Select); 10 bases into the intron after coding-DNA position 493, C replaced by T.
Molecular consequence: intron variant.
Genome position (GRCh38, 1-based): chr4:1,000,999, C>T. VCF-style: chr4-1000999-C-T. GRCh37 (hg19) VCF-style: chr4-994787-C-T.
Other names: c.97+10C>T (NM_001363576.1).
Identifiers: ClinVar variation 785720 (VCV000785720.17), dbSNP rs200000194, ClinGen allele CA2801940.